The following is an entry in ClinVar:

NM_006231.4(POLE):c.4952+6C>G

Gene: POLE (DNA polymerase epsilon, catalytic subunit; minus strand). Cytogenetic location: 12q24.33.
Variant type: single nucleotide variant.
Coding change: c.4952+6C>G on transcript NM_006231.4 (MANE Select); 6 bases into the intron after coding-DNA position 4952, C replaced by G.
Molecular consequence: intron variant.
Genome position (GRCh38, 1-based): chr12:132,642,500, G>C on the plus strand (C>G on the coding strand, the complement: POLE is on the minus strand). VCF-style: chr12-132642500-G-C. GRCh37 (hg19) VCF-style: chr12-133219086-G-C.
Identifiers: ClinVar variation 2643653 (VCV002643653.24), dbSNP rs1287310585, ClinGen allele CA2695199193.

ClinVar aggregate classification (germline): Uncertain significance (1 of 4 stars; one submission).

Submission:

CeGaT Center for Human Genetics Tuebingen
Classification: Uncertain significance. Last evaluated: 2023-05-01. Review status: criteria provided, single submitter. Criteria: CeGaT Center For Human Genetics Tuebingen Variant Classification Criteria Version 2. Collection method: clinical testing. Allele origin: germline. Affected: yes. Observed: 1 variant allele.
Comment: POLE: PM2, BP4